The following is an entry in ClinVar:

NM_005235.3(ERBB4):c.3578A>G (p.Asn1193Ser)

Gene: ERBB4 (erb-b2 receptor tyrosine kinase 4; minus strand). Cytogenetic location: 2q34.
Variant type: single nucleotide variant.
Coding change: c.3578A>G on transcript NM_005235.3 (MANE Select); coding-DNA position 3578, A replaced by G.
Protein change: p.Asn1193Ser; replaces asparagine 1193 with serine.
Molecular consequence: missense variant.
Genome position (GRCh38, 1-based): chr2:211,383,964, T>C on the plus strand (A>G on the coding strand, the complement: ERBB4 is on the minus strand). VCF-style: chr2-211383964-T-C. GRCh37 (hg19) VCF-style: chr2-212248689-T-C.
Other names: c.3530A>G, p.Asn1177Ser (NM_001042599.2); short protein forms N1193S, N1177S.
Identifiers: ClinVar variation 2216218 (VCV002216218.5), dbSNP rs201275165, ClinGen allele CA2087397.

ClinVar aggregate classification (germline): Conflicting classifications of pathogenicity. Review status: criteria provided, conflicting classifications (1 of 4 stars). 2 submissions from 2 submitters: Uncertain significance (1); Likely benign (1). Last evaluated 2023-12-18.

Conditions:
Inborn genetic diseases. Identifiers: MedGen C0950123, MeSH D030342.

Allele frequency attached by ClinVar (database versions not stated): ExAC 0.00002; gnomAD 0.00003; TOPMed 0.00003.
gnomAD v4.1: 66 of 1,613,982 alleles (0.0041%); highest among the groups gnomAD compares: South Asian, 0.03%; no homozygotes.

Submissions (2):

Labcorp Genetics (formerly Invitae), Labcorp
Classification: Uncertain significance. Last evaluated: 2023-12-18. Review status: criteria provided, single submitter. Criteria: Invitae Variant Classification Sherloc (09022015). Collection method: clinical testing. Allele origin: germline.
Comment: This sequence change replaces asparagine, which is neutral and polar, with serine, which is neutral and polar, at codon 1193 of the ERBB4 protein (p.Asn1193Ser). This variant is present in population databases (rs201275165, gnomAD 0.02%). This variant has not been reported in the literature in individuals affected with ERBB4-related conditions. ClinVar contains an entry for this variant (Variation ID: 2216218). Algorithms developed to predict the effect of missense changes on protein structure and function output the following: SIFT: "Not Available"; PolyPhen-2: "Benign"; Align-GVGD: "Not Available". The serine amino acid residue is found in multiple mammalian species, which suggests that this missense change does not adversely affect protein function. In summary, the available evidence is currently insufficient to determine the role of this variant in disease. Therefore, it has been classified as a Variant of Uncertain Significance.

Ambry Genetics
Classification: Likely benign for Inborn genetic diseases. Last evaluated: 2021-09-16. Review status: criteria provided, single submitter. Criteria: Ambry Variant Classification Scheme 2023. Collection method: clinical testing. Allele origin: germline.